The following is an entry in ClinVar:

NM_018062.4(FANCL):c.824A>T (p.Asp275Val)

Gene: FANCL (FA complementation group L; minus strand). Cytogenetic location: 2p16.1.
Variant type: single nucleotide variant.
Coding change: c.824A>T on transcript NM_018062.4 (MANE Select); coding-DNA position 824, A replaced by T.
Protein change: p.Asp275Val; replaces aspartic acid 275 with valine.
Molecular consequence: missense variant.
Genome position (GRCh38, 1-based): chr2:58,162,945, T>A on the plus strand (A>T on the coding strand, the complement: FANCL is on the minus strand). VCF-style: chr2-58162945-T-A. GRCh37 (hg19) VCF-style: chr2-58390080-T-A.
Other names: c.839A>T, p.Asp280Val (NM_001114636.2); c.869A>T, p.Asp290Val (NM_001374615.1); c.884A>T, p.Asp295Val (NM_001410792.1); short protein forms D275V, D280V, D290V, D295V.
Identifiers: ClinVar variation 1337794 (VCV001337794.4), dbSNP rs1685423554, ClinGen allele CA346935458.
Genomic context (GRCh38, chr2:58,162,945, plus strand): 5'-CGAGCTGGAAAATCAATTTCTAAAACATCTTTCAAATTTTGTAACACACTATTTTCTGGA[T>A]CCCTGAAAGCATGGGGAAAAAAATTATGCTGTGAACTTTGTAAAATCACCAAAAAGTAAA-3'
Protein context (NP_060532.2, residues 265-285): IKLSRNIHLW[Asp275Val]PENSVLQNLK

ClinVar aggregate classification (germline): Uncertain significance (1 of 4 stars; one submission).

Allele frequency attached by ClinVar (database versions not stated): TOPMed below 0.00001.

Submission:

Genetic Services Laboratory, University of Chicago
Classification: Uncertain significance. Last evaluated: 2020-12-24. Review status: criteria provided, single submitter. Criteria: ACMG Guidelines, 2015. Collection method: clinical testing. Allele origin: germline. Affected: no.
Comment: DNA sequence analysis of the FANCL gene demonstrated a sequence change, c.824A>T, in exon 11 that results in an amino acid change, p.Asp275Val. This sequence change is absent from know population databases (gnomAD). The p.Asp275Val change affects a moderately conserved amino acid residue located in a domain of the FANCL protein that is known to be functional. In-silico pathogenicity prediction tools (SIFT, PolyPhen2, Align GVGD, REVEL) provide contradictory results for the p.Asp275Val substitution. Due to these contrasting evidences and the lack of functional studies, the clinical significance of the p.Asp275Val change remains unknown at this time.